The following is an entry in ClinVar:

ClinVar aggregate classification (germline): Uncertain significance (1 of 4 stars; one submission).

Submission:

GeneDx
Classification: Uncertain significance. Last evaluated: 2024-08-15. Review status: criteria provided, single submitter. Criteria: GeneDx Variant Classification Process June 2021. Collection method: clinical testing. Allele origin: germline. Affected: yes.
Comment: Not observed at significant frequency in large population cohorts (gnomAD); In silico analysis supports that this missense variant has a deleterious effect on protein structure/function; Has not been previously published as pathogenic or benign to our knowledge

NM_001367624.2(ZNF469):c.11747C>T (p.Pro3916Leu)

Gene: ZNF469 (zinc finger protein 469; plus strand). Cytogenetic location: 16q24.2.
Variant type: single nucleotide variant.
Coding change: c.11747C>T on transcript NM_001367624.2 (MANE Select); coding-DNA position 11747, C replaced by T.
Protein change: p.Pro3916Leu; replaces proline 3916 with leucine.
Molecular consequence: missense variant.
Genome position (GRCh38, 1-based): chr16:88,439,217, C>T. VCF-style: chr16-88439217-C-T. GRCh37 (hg19) VCF-style: chr16-88505625-C-T.
Other names: NM_001127464.1:c.11663C>T; short protein forms P3916L.
Identifiers: ClinVar variation 3731248 (VCV003731248.1).
Genomic context (GRCh38, chr16:88,439,217, plus strand): 5'-CCCAGGGGAGACCCCTGCTCAGGCCCCCCAAGAGGGGCACAGCTGTCCACGGTGCTGAAC[C>T]TGCCGAGCCACACACCCACCGGACGGCCGAGGCCCAGAGTGACCTCCTCAGCCAGCTCTT-3'
Protein context (NP_001354553.1, residues 3906-3926): KRGTAVHGAE[Pro3916Leu]AEPHTHRTAE